The following is an entry in ClinVar:

ClinVar aggregate classification (germline): Uncertain significance (1 of 4 stars; one submission).

Allele frequency attached by ClinVar (database versions not stated): gnomAD exomes below 0.00001.
gnomAD v4.1: 1 of 1,610,860 alleles (0.000062%); highest among the groups gnomAD compares: Non-Finnish European, 0.000085%; no homozygotes.

Submission:

Labcorp Genetics (formerly Invitae), Labcorp
Classification: Uncertain significance. Last evaluated: 2023-08-08. Review status: criteria provided, single submitter. Criteria: Invitae Variant Classification Sherloc (09022015). Collection method: clinical testing. Allele origin: germline.
Comment: In summary, the available evidence is currently insufficient to determine the role of this variant in disease. Therefore, it has been classified as a Variant of Uncertain Significance. Algorithms developed to predict the effect of missense changes on protein structure and function output the following: SIFT: "Not Available"; PolyPhen-2: "Possibly Damaging"; Align-GVGD: "Not Available". The lysine amino acid residue is found in multiple mammalian species, which suggests that this missense change does not adversely affect protein function. This variant has not been reported in the literature in individuals affected with IL23R-related conditions. This variant is not present in population databases (gnomAD no frequency). This sequence change replaces arginine, which is basic and polar, with lysine, which is basic and polar, at codon 378 of the IL23R protein (p.Arg378Lys).

NM_144701.3(IL23R):c.1133G>A (p.Arg378Lys)

Gene: IL23R (interleukin 23 receptor; plus strand). Cytogenetic location: 1p31.3.
Variant type: single nucleotide variant.
Coding change: c.1133G>A on transcript NM_144701.3 (MANE Select); coding-DNA position 1133, G replaced by A.
Protein change: p.Arg378Lys; replaces arginine 378 with lysine.
Molecular consequence: missense variant.
Genome position (GRCh38, 1-based): chr1:67,240,266, G>A. VCF-style: chr1-67240266-G-A. GRCh37 (hg19) VCF-style: chr1-67705949-G-A.
Other names: short protein forms R378K.
Identifiers: ClinVar variation 2787382 (VCV002787382.3), dbSNP rs867213276, ClinGen allele CA23490122.